The following is an entry in ClinVar:

NM_000057.4(BLM):c.301_304del (p.Arg101fs)

Gene: BLM (BLM RecQ like helicase; plus strand). Cytogenetic location: 15q26.1.
Variant type: Microsatellite.
Coding change: c.301_304del on transcript NM_000057.4 (MANE Select); coding-DNA positions 301 to 304, 4 bases deleted (AGAG; older notation c.301_304delAGAG).
Protein change: p.Arg101fs; shifts the reading frame from arginine 101.
Molecular consequence: frameshift variant. On other transcripts: 5 prime UTR variant (1).
Genome position (GRCh38, 1-based): chr15:90,749,569-90,749,572, AGAG deleted; deleting any 4 consecutive bases within chr15:90,749,567-90,749,572 gives the same sequence; the c. name uses the placement nearest the transcript's 3' end. VCF-style (leftmost placement, unchanged base first): chr15-90749566-CAGAG-C. GRCh37 (hg19) VCF-style: chr15-91292796-CAGAG-C.
Other names: c.301_304del, p.Arg101fs (NM_001287246.2, NM_001287247.2); c.-993AG[1] (NM_001287248.2); short protein forms R101fs.
Identifiers: ClinVar variation 1375917 (VCV001375917.6), dbSNP rs1489224386, ClinGen allele CA2580613316.
Genomic context (GRCh38, chr15:90,749,566, plus strand): 5'-ACCACAAATCAGCAAAGGGTCAAGGACTTCTTTAAAAATGCTCCAGCAGGACAGGAAACA[CAGAG>C]AGGTGGATCAAAATCATTATTGCCAGATTTCTTGCAGACTCCGAAGGAAGTTGTATGCAC-3'

ClinVar aggregate classification (germline): Pathogenic (1 of 4 stars; one submission).

Conditions:
Bloom syndrome (BLM). Also called: Bloom-Torre-Machacek syndrome. Identifiers: Orphanet 125, MedGen C0005859, MONDO:0008876, OMIM 210900.

Submission:

Labcorp Genetics (formerly Invitae), Labcorp
Classification: Pathogenic for Bloom syndrome. Last evaluated: 2021-10-06. Review status: criteria provided, single submitter. Criteria: Invitae Variant Classification Sherloc (09022015). Collection method: clinical testing. Allele origin: germline.
Comment: Algorithms developed to predict the effect of sequence changes on RNA splicing suggest that this variant may create or strengthen a splice site. This variant has not been reported in the literature in individuals affected with BLM-related conditions. This variant is not present in population databases (ExAC no frequency). This sequence change creates a premature translational stop signal (p.Arg101Valfs*27) in the BLM gene. It is expected to result in an absent or disrupted protein product. Loss-of-function variants in BLM are known to be pathogenic (PMID: 17407155). For these reasons, this variant has been classified as Pathogenic.

Literature cited by the submitters: PubMed 17407155.